The following is an entry in ClinVar:

ClinVar aggregate classification (germline): Uncertain significance. Review status: criteria provided, multiple submitters, no conflicts (2 of 4 stars). 6 submissions from 6 submitters: Uncertain significance (5). 1 of the submissions does not count toward it. Last evaluated 2023-07-19.

Conditions:
Lysinuric protein intolerance (LPI). Identifiers: Orphanet 470, MedGen C0268647, MONDO:0009109, OMIM 222700.

Allele frequency attached by ClinVar (database versions not stated): ExAC 0.00003; gnomAD exomes 0.00004; gnomAD 0.00007 and 0.00008; TOPMed 0.00009; ESP Exome Variant Server 0.00015.
gnomAD v4.1: 38 of 1,614,008 alleles (0.0024%); highest among the groups gnomAD compares: African/African-American, 0.021%; no homozygotes.

Submissions (6):

Mayo Clinic Laboratories, Mayo Clinic
Classification: Uncertain significance. Last evaluated: 2023-07-19. Review status: criteria provided, single submitter. Criteria: ACMG Guidelines, 2015. Collection method: clinical testing. Allele origin: germline. Observed: 1 variant allele.

Fulgent Genetics
Classification: Uncertain significance for Lysinuric protein intolerance. Last evaluated: 2022-03-17. Review status: criteria provided, single submitter. Criteria: ACMG Guidelines, 2015. Collection method: clinical testing. Allele origin: unknown.

Labcorp Genetics (formerly Invitae), Labcorp
Classification: Uncertain significance for Lysinuric protein intolerance. Last evaluated: 2022-03-02. Review status: criteria provided, single submitter. Criteria: Invitae Variant Classification Sherloc (09022015). Collection method: clinical testing. Allele origin: germline.
Comment: This sequence change replaces valine, which is neutral and non-polar, with isoleucine, which is neutral and non-polar, at codon 84 of the SLC7A7 protein (p.Val84Ile). This variant is present in population databases (rs368317123, gnomAD 0.04%). This variant has not been reported in the literature in individuals affected with SLC7A7-related conditions. ClinVar contains an entry for this variant (Variation ID: 459994). Algorithms developed to predict the effect of missense changes on protein structure and function (SIFT, PolyPhen-2, Align-GVGD) all suggest that this variant is likely to be tolerated. In summary, the available evidence is currently insufficient to determine the role of this variant in disease. Therefore, it has been classified as a Variant of Uncertain Significance.

Genome-Nilou Lab
Classification: Uncertain significance for Lysinuric protein intolerance. Last evaluated: 2021-11-07. Review status: criteria provided, single submitter. Criteria: ACMG Guidelines, 2015. Collection method: clinical testing. Allele origin: germline. Affected: no.

GeneDx
Classification: Uncertain significance. Last evaluated: 2019-04-26. Review status: criteria provided, single submitter. Criteria: GeneDx Variant Classification Process June 2021. Collection method: clinical testing. Allele origin: germline. Affected: yes.
Comment: In silico analysis, which includes protein predictors and evolutionary conservation, supports that this variant does not alter protein structure/function; Has not been previously published as pathogenic or benign to our knowledge

Natera, Inc.
Classification: Uncertain significance for Lysinuric protein intolerance. Last evaluated: 2019-11-11. Review status: no assertion criteria provided. Collection method: clinical testing. Allele origin: germline. Not counted in ClinVar's aggregate classification.

Literature cited by the submitters: PubMed 35669728 (cited by Mayo Clinic Laboratories, Mayo Clinic).

NM_003982.4(SLC7A7):c.250G>A (p.Val84Ile)

Gene: SLC7A7 (solute carrier family 7 member 7; minus strand). Cytogenetic location: 14q11.2.
Variant type: single nucleotide variant.
Coding change: c.250G>A on transcript NM_003982.4 (MANE Select); coding-DNA position 250, G replaced by A.
Protein change: p.Val84Ile; replaces valine 84 with isoleucine.
Molecular consequence: missense variant.
Genome position (GRCh38, 1-based): chr14:22,813,149, C>T on the plus strand (G>A on the coding strand, the complement: SLC7A7 is on the minus strand). VCF-style: chr14-22813149-C-T. GRCh37 (hg19) VCF-style: chr14-23282358-C-T.
Other names: p.Val84Ile; c.250G>A, p.Val84Ile (NM_001126105.3, NM_001126106.4); short protein forms V84I.
Identifiers: ClinVar variation 459994 (VCV000459994.14), dbSNP rs368317123, ClinGen allele CA7104740.